The following is an entry in ClinVar:

NM_001367871.1(FBRSL1):c.2289C>G (p.Ala763=)

Gene: FBRSL1 (fibrosin like 1; plus strand). Cytogenetic location: 12q24.33.
Variant type: single nucleotide variant.
Coding change: c.2289C>G on transcript NM_001367871.1 (MANE Select); coding-DNA position 2289, C replaced by G.
Protein change: p.Ala763=; no amino-acid change (alanine 763 retained).
Molecular consequence: synonymous variant.
Genome position (GRCh38, 1-based): chr12:132,583,058, C>G. VCF-style: chr12-132583058-C-G. GRCh37 (hg19) VCF-style: chr12-133159644-C-G.
Other names: c.2418C>G, p.Ala806= (NM_001142641.2); c.2343C>G, p.Ala781= (NM_001382739.1); c.1668C>G, p.Ala556= (NM_001382740.1).
Identifiers: ClinVar variation 5041720 (VCV005041720.1).

ClinVar aggregate classification (germline): Likely benign (1 of 4 stars; one submission).

Submission:

CeGaT Center for Human Genetics Tuebingen
Classification: Likely benign. Last evaluated: 2026-09-01. Review status: criteria provided, single submitter. Criteria: CeGaT Center For Human Genetics Tuebingen Variant Classification Criteria Version 2. Collection method: clinical testing. Allele origin: germline. Affected: yes. Observed: 1 variant allele.
Comment: FBRSL1: PM2:Supporting, BP4, BP7